The following is an entry in ClinVar:

ClinVar aggregate classification (germline): Uncertain significance (0 of 4 stars; one submission).

Conditions:
Malignant tumor of breast. Also called: Malignant breast neoplasm; Cancer breast. Identifiers: MedGen C0006142, MONDO:0007254. Disease mechanism: loss of function.

Submission:

Department of Pathology and Laboratory Medicine, Sinai Health System
Classification: Uncertain significance for Malignant tumor of breast. Review status: no assertion criteria provided. Collection method: clinical testing. Allele origin: unknown. Affected: yes. Study: The Canadian Open Genetics Repository (COGR).
Comment: The CHEK2 c.1462-?_1542+?del variant (chr:22 g.29085123_29085203del GRCh37) results in the deletion of exon 14, although the precise breakpoints of this deletion were not determined, nor were the effects of this variant on the resulting mRNA or protein product determined. The CHEK2 p.Asp488_Gln514del variant was not identified in the literature nor was it identified in the dbSNP database. The variant was identified in ClinVar (classified as uncertain significance by Invitae and Integrated Genetics). The variant was not identified in the following control databases: the Exome Aggregation Consortium (August 8th 2016) or the Genome Aggregation Database (Feb 27, 2017). This variant results in an in-frame deletion of the residues aspartic acid (Asp) at codon 488 through to and including glutamine (Gln) at codon to 514; the impact of this alteration on CHEK2 protein function is not known. In summary, based on the above information, the clinical significance of this variant cannot be determined with certainty at this time. This variant is classified as a variant of uncertain significance.

NM_007194.4(CHEK2):c.1462-1_1542+2del

Gene: CHEK2 (checkpoint kinase 2; minus strand). Cytogenetic location: 22q12.1.
Variant type: Deletion.
Coding change: c.1462-1_1542+2del on transcript NM_007194.4 (MANE Select); the canonical splice acceptor site of the intron before coding-DNA position 1462 through the canonical splice donor site of the intron after coding-DNA position 1542, 84 bases deleted.
Molecular consequence: splice acceptor variant, splice donor variant.
Genome position (GRCh38, 1-based): chr22:28,689,133-28,689,216, 84 bases deleted. GRCh37 (hg19): chr22:29,085,121-29,085,204.
Other names: c.799-1_879+2del (NM_001437942.1, NM_001257387.3); c.1261-1_1341+2del (NM_001349956.3); c.1375-1_1455+2del (NM_145862.3); c.1468-1_1548+2del (NM_001438295.1); c.1555-1_1635+2del (NM_001438293.1); c.1504-1_1584+2del (NM_001438294.1); c.1591-1_1671+2del (NM_001005735.3).
Identifiers: ClinVar variation 1049362 (VCV001049362.2), dbSNP rs2145747944, ClinGen allele CA2499226045.